The following is an entry in ClinVar:

NM_006493.4(CLN5):c.173+1G>T

Genes: CLN5 (CLN5 lysosomal BMP synthase; plus strand), LOC130009913 (ATAC-STARR-seq lymphoblastoid silent region 5414; plus strand). Cytogenetic location: 13q22.3.
Variant type: single nucleotide variant.
Coding change: c.173+1G>T on transcript NM_006493.4 (MANE Select); the canonical splice donor site of the intron after coding-DNA position 173, G replaced by T.
Molecular consequence: splice donor variant.
Genome position (GRCh38, 1-based): chr13:76,992,272, G>T. VCF-style: chr13-76992272-G-T. GRCh37 (hg19) VCF-style: chr13-77566407-G-T.
Other names: c.173+1G>T (NM_001366624.2).
Identifiers: ClinVar variation 835250 (VCV000835250.8), dbSNP rs1739482158, ClinGen allele CA388306966.

ClinVar aggregate classification (germline): Likely pathogenic (1 of 4 stars; one submission).

Conditions:
Neuronal ceroid lipofuscinosis. Also called: Neuronal Ceroid Lipofuscinoses. Identifiers: Orphanet 216, Orphanet 79263, MedGen C0027877, MONDO:0016295. Disease mechanism: loss of function.

Submission:

Labcorp Genetics (formerly Invitae), Labcorp
Classification: Likely pathogenic for Neuronal ceroid lipofuscinosis. Last evaluated: 2019-11-18. Review status: criteria provided, single submitter. Criteria: Invitae Variant Classification Sherloc (09022015). Collection method: clinical testing. Allele origin: germline.
Comment: In summary, the currently available evidence indicates that the variant is pathogenic, but additional data are needed to prove that conclusively. Therefore, this variant has been classified as Likely Pathogenic. Donor and acceptor splice site variants typically lead to a loss of protein function (PMID: 16199547), and loss-of-function variants in CLN5 are known to be pathogenic (PMID: 20157158). Algorithms developed to predict the effect of sequence changes on RNA splicing suggest that this variant may disrupt the consensus splice site, but this prediction has not been confirmed by published transcriptional studies. This variant has not been reported in the literature in individuals with CLN5-related conditions. This variant is not present in population databases (ExAC no frequency). This sequence change affects a donor splice site in intron 1 of the CLN5 gene. It is expected to disrupt RNA splicing and likely results in an absent or disrupted protein product.

Literature cited by the submitters: PubMed 16199547; PubMed 20157158.